The following is an entry in ClinVar:

NM_139058.3(ARX):c.450C>G (p.Ala150=)

Genes: ARX (aristaless related homeobox; minus strand), LOC109610631 (aristaless related homeobox polyalanine expansion region; plus strand). Cytogenetic location: Xp21.3.
Variant type: single nucleotide variant.
Coding change: c.450C>G on transcript NM_139058.3 (MANE Select); coding-DNA position 450, C replaced by G.
Protein change: p.Ala150=; no amino-acid change (alanine 150 retained).
Molecular consequence: synonymous variant.
Genome position (GRCh38, 1-based): chrX:25,013,545, G>C on the plus strand (C>G on the coding strand, the complement: ARX is on the minus strand). VCF-style: chrX-25013545-G-C. GRCh37 (hg19) VCF-style: chrX-25031662-G-C.
Identifiers: ClinVar variation 4980637 (VCV004980637.1).
Genomic context (GRCh38, chrX:25,013,545, plus strand): 5'-GCTGATGCTCACCTGCGGCGCCTGGCTGATCTTGAGCGTGTCCCAGGCCGCGGCGGCCGC[G>C]GCCGCGGCTGCCGCGGCGGCCCCTGCGCCGTCCGGCCGTTCCCCGGGCCGCGCGGTTGGC-3'
Protein context (NP_620689.1, residues 140-160): DGAGAAAAAA[Ala150=]AAAAAWDTLK

ClinVar aggregate classification (germline): Likely benign (1 of 4 stars; one submission).

Conditions:
ARX-related disorder. Also called: ARX-Related Disorders; ARX-related condition. Identifiers: MedGen CN378769.

Submission:

PreventionGenetics, part of Exact Sciences
Classification: Likely benign for ARX-related condition. Last evaluated: 2025-12-18. Review status: criteria provided, single submitter. Criteria: ACMG Guidelines, 2015. Collection method: clinical testing. Allele origin: germline.
Comment: This variant is classified as likely benign based on ACMG/AMP sequence variant interpretation guidelines (Richards et al. 2015 PMID: 25741868, with internal and published modifications).